The following is an entry in ClinVar:

NM_001184880.2(PCDH19):c.2597A>G (p.Asn866Ser)

Genes: PCDH19 (protocadherin 19; minus strand), LOC125467768 (CDK7 strongly-dependent group 2 enhancer GRCh37_chrX:99657381-99658580; plus strand). Cytogenetic location: Xq22.1.
Variant type: single nucleotide variant.
Coding change: c.2597A>G on transcript NM_001184880.2 (MANE Select); coding-DNA position 2597, A replaced by G.
Protein change: p.Asn866Ser; replaces asparagine 866 with serine.
Molecular consequence: missense variant.
Genome position (GRCh38, 1-based): chrX:100,402,543, T>C on the plus strand (A>G on the coding strand, the complement: PCDH19 is on the minus strand). VCF-style: chrX-100402543-T-C. GRCh37 (hg19) VCF-style: chrX-99657541-T-C.
Other names: c.2456A>G, p.Asn819Ser (NM_001105243.2, NM_020766.3); short protein forms N819S, N866S.
Identifiers: ClinVar variation 4766147 (VCV004766147.1).
Genomic context (GRCh38, chrX:100,402,543, plus strand): 5'-AGACCTGGGAGAACCTCACAGAGCCACTTAGCTGCACTCACCTCAGGCAGAGGCACACCG[T>C]TGATAATCAGGTCAGGCTGCTGGGGCCCCTGGCTGTTGAAAGAGTGATGGTAGATGTGGT-3'
Protein context (NP_001171809.1, residues 856-876): QGPQQPDLII[Asn866Ser]GVPLPETENY

ClinVar aggregate classification (germline): Uncertain significance (1 of 4 stars; one submission).

Conditions:
Developmental and epileptic encephalopathy, 9 (DEE9). Also called: JUBERG-HELLMAN SYNDROME; PCDH19-Related X-Linked Female-Limited Epilepsy with Mental Retardation; Early infantile epileptic encephalopathy 9; EPILEPSY, FEMALE-RESTRICTED, WITH MENTAL RETARDATION. Identifiers: Orphanet 101039, Orphanet 2076, MedGen C1848137, MONDO:0010246, OMIM 300088. Disease mechanism: loss of function.

gnomAD v4.1: 1 of 1,211,027 alleles (0.000083%); highest among the groups gnomAD compares: Admixed American, 0.0022%; no homozygotes.

Submission:

Labcorp Genetics (formerly Invitae), Labcorp
Classification: Uncertain significance for Developmental and epileptic encephalopathy, 9. Last evaluated: 2025-03-05. Review status: criteria provided, single submitter. Criteria: Invitae Variant Classification Sherloc (09022015). Collection method: clinical testing. Allele origin: germline.
Comment: This sequence change replaces asparagine, which is neutral and polar, with serine, which is neutral and polar, at codon 866 of the PCDH19 protein (p.Asn866Ser). The frequency data for this variant in the population databases is considered unreliable, as metrics indicate poor data quality at this position in the gnomAD database. This variant has not been reported in the literature in individuals affected with PCDH19-related conditions. Invitae Evidence Modeling of protein sequence and biophysical properties (such as structural, functional, and spatial information, amino acid conservation, physicochemical variation, residue mobility, and thermodynamic stability) indicates that this missense variant is not expected to disrupt PCDH19 protein function with a negative predictive value of 95%. In summary, the available evidence is currently insufficient to determine the role of this variant in disease. Therefore, it has been classified as a Variant of Uncertain Significance.